The following is an entry in ClinVar:

ClinVar aggregate classification (germline): Uncertain significance. Review status: criteria provided, multiple submitters, no conflicts (2 of 4 stars). 3 submissions from 3 submitters: Uncertain significance (3). Last evaluated 2025-10-30.

Conditions:
Charcot-Marie-Tooth disease type 2R. Also called: CHARCOT-MARIE-TOOTH NEUROPATHY, TYPE 2R; CHARCOT-MARIE-TOOTH DISEASE, AXONAL, AUTOSOMAL RECESSIVE, TYPE 2R; Charcot-Marie-Tooth disease, axonal, type 2R. Identifiers: Orphanet 397968, MedGen C3809655, MONDO:0014208, OMIM 615490.

Allele frequency attached by ClinVar (database versions not stated): gnomAD exomes 0.00012 and 0.00011; gnomAD 0.00015 and 0.00017; ExAC 0.00019; 1000 Genomes Project below 0.00001; 1000 Genomes Project 30x 0.00016; ESP Exome Variant Server 0.00023; TOPMed 0.00004.
gnomAD v4.1: 200 of 1,613,656 alleles (0.012%); highest among the groups gnomAD compares: Non-Finnish European, 0.013%; no homozygotes.

Submissions (3):

Mayo Clinic Laboratories, Mayo Clinic
Classification: Uncertain significance. Last evaluated: 2025-10-30. Review status: criteria provided, single submitter. Criteria: ACMG Guidelines, 2015. Collection method: clinical testing. Allele origin: germline. Observed: 1 variant allele.
Comment: BP4_moderate

Labcorp Genetics (formerly Invitae), Labcorp
Classification: Uncertain significance for Charcot-Marie-Tooth disease type 2R. Last evaluated: 2024-12-04. Review status: criteria provided, single submitter. Criteria: Invitae Variant Classification Sherloc (09022015). Collection method: clinical testing. Allele origin: germline.
Comment: This sequence change replaces alanine, which is neutral and non-polar, with threonine, which is neutral and polar, at codon 147 of the TRIM2 protein (p.Ala147Thr). This variant is present in population databases (rs200706275, gnomAD 0.03%). This variant has not been reported in the literature in individuals affected with TRIM2-related conditions. ClinVar contains an entry for this variant (Variation ID: 645511). An algorithm developed to predict the effect of missense changes on protein structure and function (PolyPhen-2) suggests that this variant¬†is likely to be tolerated. In summary, the available evidence is currently insufficient to determine the role of this variant in disease. Therefore, it has been classified as a Variant of Uncertain Significance.

GeneDx
Classification: Uncertain significance. Last evaluated: 2022-02-17. Review status: criteria provided, single submitter. Criteria: GeneDx Variant Classification Process June 2021. Collection method: clinical testing. Allele origin: germline. Affected: yes.
Comment: In silico analysis supports that this missense variant does not alter protein structure/function; Has not been previously published as pathogenic or benign to our knowledge

NM_015271.5(TRIM2):c.520G>A (p.Ala174Thr)

Gene: TRIM2 (tripartite motif containing 2; plus strand). Cytogenetic location: 4q31.3.
Variant type: single nucleotide variant.
Coding change: c.520G>A on transcript NM_015271.5 (MANE Select); coding-DNA position 520, G replaced by A.
Protein change: p.Ala174Thr; replaces alanine 174 with threonine.
Molecular consequence: missense variant.
Genome position (GRCh38, 1-based): chr4:153,293,048, G>A. VCF-style: chr4-153293048-G-A. GRCh37 (hg19) VCF-style: chr4-154214200-G-A.
Other names: p.Ala147Thr; c.439G>A, p.Ala147Thr (NM_001130067.2, NM_001351056.2); c.493G>A, p.Ala165Thr (NM_001351054.2); c.490G>A, p.Ala164Thr (NM_001351055.2); c.64G>A, p.Ala22Thr (NM_001351057.2); short protein forms A147T, A174T, A22T, A165T, A164T.
Identifiers: ClinVar variation 645511 (VCV000645511.12), dbSNP rs200706275, ClinGen allele CA3108567.